The following is an entry in ClinVar:

ClinVar aggregate classification (germline): Uncertain significance (1 of 4 stars; one submission).

Submission:

Labcorp Genetics (formerly Invitae), Labcorp
Classification: Uncertain significance. Last evaluated: 2025-07-06. Review status: criteria provided, single submitter. Criteria: Invitae Variant Classification Sherloc (09022015). Collection method: clinical testing. Allele origin: germline.
Comment: This sequence change replaces serine, which is neutral and polar, with alanine, which is neutral and non-polar, at codon 104 of the KLF10 protein (p.Ser104Ala). This variant is not present in population databases (gnomAD no frequency). This variant has not been reported in the literature in individuals affected with KLF10-related conditions. An algorithm developed to predict the effect of missense changes on protein structure and function (PolyPhen-2) suggests that this variant is likely to be tolerated. In summary, the available evidence is currently insufficient to determine the role of this variant in disease. Therefore, it has been classified as a Variant of Uncertain Significance.

NM_005655.4(KLF10):c.310T>G (p.Ser104Ala)

Gene: KLF10 (KLF transcription factor 10; minus strand). Cytogenetic location: 8q22.3.
Variant type: single nucleotide variant.
Coding change: c.310T>G on transcript NM_005655.4 (MANE Select); coding-DNA position 310, T replaced by G.
Protein change: p.Ser104Ala; replaces serine 104 with alanine.
Molecular consequence: missense variant.
Genome position (GRCh38, 1-based): chr8:102,652,022, A>C on the plus strand (T>G on the coding strand, the complement: KLF10 is on the minus strand). VCF-style: chr8-102652022-A-C. GRCh37 (hg19) VCF-style: chr8-103664250-A-C.
Other names: c.277T>G, p.Ser93Ala (NM_001032282.4); short protein forms S93A, S104A.
Identifiers: ClinVar variation 4722743 (VCV004722743.1).